The following is an entry in ClinVar:

NM_005592.4(MUSK):c.1091_1092del (p.Pro364fs)

Gene: MUSK (muscle associated receptor tyrosine kinase; plus strand). Cytogenetic location: 9q31.3.
Variant type: Deletion.
Coding change: c.1091_1092del on transcript NM_005592.4 (MANE Select); coding-DNA positions 1091 to 1092, 2 bases deleted (CA; older notation c.1091_1092delCA).
Protein change: p.Pro364fs; shifts the reading frame from proline 364.
Molecular consequence: frameshift variant. On other transcripts: 5 prime UTR variant (1), intron variant (2).
Genome position (GRCh38, 1-based): chr9:110,767,990-110,767,991, CA deleted. VCF-style (leftmost placement, unchanged base first): chr9-110767989-CCA-C. GRCh37 (hg19) VCF-style: chr9-113530269-CCA-C.
Other names: c.-146_-145del (NM_001369398.1); c.950+5782_950+5783del (NM_001166280.2); c.920+5782_920+5783del (NM_001166281.2); short protein forms P364fs.
Identifiers: ClinVar variation 2931558 (VCV002931558.4), dbSNP rs2491048992, ClinGen allele CA2740095574.

ClinVar aggregate classification (germline): Pathogenic/Likely pathogenic. Review status: criteria provided, multiple submitters, no conflicts (2 of 4 stars). 2 submissions from 2 submitters: Pathogenic (1); Likely pathogenic (1). Last evaluated 2025-12-17.

Conditions:
Congenital myasthenic syndrome 9. Also called: Myasthenic syndrome, congenital, 9, associated with acetylcholine receptor deficiency. Identifiers: Orphanet 590, MedGen C4225368, MONDO:0014587, OMIM 616325.
Fetal akinesia deformation sequence 1 (FADS1). Also called: Fetal akinesia sequence; Pena-Shokeir syndrome type I. Identifiers: Orphanet 994, MedGen C1276035, MONDO:0100101, OMIM 208150, HP:0001989.

Submissions (2):

Labcorp Genetics (formerly Invitae), Labcorp
Classification: Pathogenic for Congenital myasthenic syndrome 9; Fetal akinesia deformation sequence 1. Last evaluated: 2025-12-17. Review status: criteria provided, single submitter. Criteria: Invitae Variant Classification Sherloc (09022015). Collection method: clinical testing. Allele origin: germline.
Comment: This sequence change creates a premature translational stop signal (p.Pro364Argfs*7) in the MUSK gene. It is expected to result in an absent or disrupted protein product. Loss-of-function variants in MUSK are known to be pathogenic (PMID: 8653786, 25612909, 25695962, 25900532). This variant is not present in population databases (gnomAD no frequency). This variant has not been reported in the literature in individuals affected with MUSK-related conditions. ClinVar contains an entry for this variant (Variation ID: 2931558). Algorithms developed to predict the effect of sequence changes on RNA splicing suggest that this variant may disrupt the consensus splice site. For these reasons, this variant has been classified as Pathogenic.

Fulgent Genetics
Classification: Likely pathogenic for Fetal akinesia deformation sequence 1; Congenital myasthenic syndrome 9. Last evaluated: 2024-06-24. Review status: criteria provided, single submitter. Criteria: ACMG Guidelines, 2015. Collection method: clinical testing. Allele origin: germline.

Literature cited by the submitters: PubMed 8653786 (cited by Labcorp Genetics (formerly Invitae), Labcorp); PubMed 25612909 (cited by Labcorp Genetics (formerly Invitae), Labcorp); PubMed 25695962 (cited by Labcorp Genetics (formerly Invitae), Labcorp); PubMed 25900532 (cited by Labcorp Genetics (formerly Invitae), Labcorp).